The following is an entry in ClinVar:

NM_004329.3(BMPR1A):c.472A>C (p.Ile158Leu)

Gene: BMPR1A (bone morphogenetic protein receptor type 1A; plus strand). Cytogenetic location: 10q23.2.
Variant type: single nucleotide variant.
Coding change: c.472A>C on transcript NM_004329.3 (MANE Select); coding-DNA position 472, A replaced by C.
Protein change: p.Ile158Leu; replaces isoleucine 158 with leucine.
Molecular consequence: missense variant.
Genome position (GRCh38, 1-based): chr10:86,900,068, A>C. VCF-style: chr10-86900068-A-C. GRCh37 (hg19) VCF-style: chr10-88659825-A-C.
Other names: short protein forms I158L.
Identifiers: ClinVar variation 570228 (VCV000570228.16), dbSNP rs1564717888, ClinGen allele CA377450354.

ClinVar aggregate classification (germline): Conflicting classifications of pathogenicity. Review status: criteria provided, conflicting classifications (1 of 4 stars). 3 submissions from 3 submitters: Uncertain significance (2); Likely benign (1). Last evaluated 2025-07-08.

Conditions:
Juvenile polyposis syndrome (JPS). Identifiers: Orphanet 2929, MedGen C0345893, MONDO:0017380, OMIM 174900.
Hereditary cancer-predisposing syndrome. Also called: Hereditary neoplastic syndrome; Neoplastic Syndromes, Hereditary; Hereditary Cancer Syndrome; Tumor predisposition. Identifiers: Orphanet 140162, MedGen C0027672, MeSH D009386, MONDO:0015356.

gnomAD v4.1: 1 of 1,614,062 alleles (0.000062%); no homozygotes.

Submissions (3):

Labcorp Genetics (formerly Invitae), Labcorp
Classification: Likely benign for Juvenile polyposis syndrome. Last evaluated: 2025-07-08. Review status: criteria provided, single submitter. Criteria: Invitae Variant Classification Sherloc (09022015). Collection method: clinical testing. Allele origin: germline.

Color Diagnostics, LLC DBA Color Health
Classification: Uncertain significance for Hereditary cancer-predisposing syndrome. Last evaluated: 2024-09-30. Review status: criteria provided, single submitter. Criteria: ACMG Guidelines, 2015. Collection method: clinical testing. Allele origin: germline.
Comment: This missense variant replaces isoleucine with leucine at codon 158 of the BMPR1A protein. Computational prediction suggests that this variant may not impact protein structure and function (internally defined REVEL score threshold <= 0.5, PMID: 27666373). To our knowledge, functional studies have not been reported for this variant. This variant has not been reported in individuals affected with BMPR1A-related disorders in the literature. This variant has not been identified in the general population by the Genome Aggregation Database (gnomAD). The available evidence is insufficient to determine the role of this variant in disease conclusively. Therefore, this variant is classified as a Variant of Uncertain Significance.

Ambry Genetics
Classification: Uncertain significance for Hereditary cancer-predisposing syndrome. Last evaluated: 2024-06-06. Review status: criteria provided, single submitter. Criteria: Ambry Variant Classification Scheme 2023. Collection method: clinical testing. Allele origin: germline.
Comment: The p.I158L variant (also known as c.472A>C), located in coding exon 5 of the BMPR1A gene, results from an A to C substitution at nucleotide position 472. The isoleucine at codon 158 is replaced by leucine, an amino acid with highly similar properties. This amino acid position is well conserved in available vertebrate species. In addition, this alteration is predicted to be tolerated by in silico analysis. Since supporting evidence is limited at this time, the clinical significance of this alteration remains unclear.